The following is an entry in ClinVar:

ClinVar aggregate classification (germline): Uncertain significance (1 of 4 stars; one submission).

Allele frequency attached by ClinVar (database versions not stated): ExAC 0.00001; gnomAD exomes 0.00001.
gnomAD v4.1: 13 of 1,613,710 alleles (0.00081%); highest among the groups gnomAD compares: Non-Finnish European, 0.0011%; no homozygotes.

Submission:

Laboratory for Molecular Medicine, Mass General Brigham Personalized Medicine
Classification: Uncertain significance. Last evaluated: 2021-12-09. Review status: criteria provided, single submitter. Criteria: ACMG Guidelines, 2015. Collection method: clinical testing. Allele origin: germline.
Comment: It has also been identified in 0.001759% (2/113712) of European chromosomes by gnomAD. Computational prediction tools and conservation analyses do not provide strong support for or against an impact to the protein. In summary, the clinical significance of this variant is uncertain. ACMG/AMP Criteria applied: PM2_Supporting, BP5.

Literature cited by the submitters: PubMed 29309402.

NM_002906.4(RDX):c.1557G>C (p.Gln519His)

Gene: RDX (radixin; minus strand). Cytogenetic location: 11q22.3.
Variant type: single nucleotide variant.
Coding change: c.1557G>C on transcript NM_002906.4 (MANE Select); coding-DNA position 1557, G replaced by C.
Protein change: p.Gln519His; replaces glutamine 519 with histidine.
Molecular consequence: missense variant. On other transcripts: intron variant (1).
Genome position (GRCh38, 1-based): chr11:110,233,267, C>G on the plus strand (G>C on the coding strand, the complement: RDX is on the minus strand). VCF-style: chr11-110233267-C-G. GRCh37 (hg19) VCF-style: chr11-110103992-C-G.
Other names: c.1557G>C, p.Gln519His (NM_001260492.2, NM_001260493.2); c.1149G>C, p.Gln383His (NM_001260494.2); c.516G>C, p.Gln172His (NM_001260495.2); c.405-1263G>C (NM_001260496.2); short protein forms Q172H, Q383H, Q519H.
Identifiers: ClinVar variation 3075837 (VCV003075837.1), dbSNP rs761349279, ClinGen allele CA6269952.